The following is an entry in ClinVar:

ClinVar aggregate classification (germline): Uncertain significance (1 of 4 stars; one submission).

Conditions:
Aicardi-Goutieres syndrome 6 (AGS6). Identifiers: Orphanet 51, MedGen C3539013, MONDO:0014007, OMIM 615010.
Symmetrical dyschromatosis of extremities (DSH). Also called: DYSCHROMATOSIS SYMMETRICA HEREDITARIA 1; RETICULATE ACROPIGMENTATION OF DOHI; SYMMETRIC DYSCHROMATOSIS OF THE EXTREMITIES; Dyschromatosis symmetrica hereditaria. Identifiers: Orphanet 41, MedGen C0406775, MONDO:0007483, OMIM 127400.

Submission:

Labcorp Genetics (formerly Invitae), Labcorp
Classification: Uncertain significance for Aicardi-Goutieres syndrome 6; Symmetrical dyschromatosis of extremities. Last evaluated: 2024-10-15. Review status: criteria provided, single submitter. Criteria: Invitae Variant Classification Sherloc (09022015). Collection method: clinical testing. Allele origin: germline.
Comment: This sequence change replaces histidine, which is basic and polar, with tyrosine, which is neutral and polar, at codon 1075 of the ADAR protein (p.His1075Tyr). This variant is not present in population databases (gnomAD no frequency). This variant has not been reported in the literature in individuals affected with ADAR-related conditions. ClinVar contains an entry for this variant (Variation ID: 1499767). Invitae Evidence Modeling of protein sequence and biophysical properties (such as structural, functional, and spatial information, amino acid conservation, physicochemical variation, residue mobility, and thermodynamic stability) indicates that this missense variant is not expected to disrupt ADAR protein function with a negative predictive value of 80%. In summary, the available evidence is currently insufficient to determine the role of this variant in disease. Therefore, it has been classified as a Variant of Uncertain Significance.

NM_001111.5(ADAR):c.3223C>T (p.His1075Tyr)

Gene: ADAR (adenosine deaminase RNA specific; minus strand). Cytogenetic location: 1q21.3.
Variant type: single nucleotide variant.
Coding change: c.3223C>T on transcript NM_001111.5 (MANE Select); coding-DNA position 3223, C replaced by T.
Protein change: p.His1075Tyr; replaces histidine 1075 with tyrosine.
Molecular consequence: missense variant.
Genome position (GRCh38, 1-based): chr1:154,585,845, G>A on the plus strand (C>T on the coding strand, the complement: ADAR is on the minus strand). VCF-style: chr1-154585845-G-A. GRCh37 (hg19) VCF-style: chr1-154558321-G-A.
Other names: c.2338C>T, p.His780Tyr (NM_001025107.3, NM_001193495.2, NM_001365046.1 and 2 more transcripts); c.3250C>T, p.His1084Tyr (NM_001365045.1); c.2260C>T, p.His754Tyr (NM_001365049.1); c.3145C>T, p.His1049Tyr (NM_015840.4); c.3088C>T, p.His1030Tyr (NM_015841.4); short protein forms H780Y, H1049Y, H1075Y, H1084Y, H754Y, H1030Y.
Identifiers: ClinVar variation 1499767 (VCV001499767.8), dbSNP rs2101563703, ClinGen allele CA342635450.
Genomic context (GRCh38, chr1:154,585,845, plus strand): 5'-GTCCATCCTCAAATGCACTCCCATCTCTTGTCACACGACAGCAAATAGCACGGGTCAGAT[G>A]CCCTTGGCTGAAAAGGTAACCTGAGTACAAAAAAGAGAAACATATATACCTGTGTTTGCA-3'
Protein context (NP_001102.3, residues 1065-1085): VTLGYLFSQG[His1075Tyr]LTRAICCRVT